The following is an entry in ClinVar:

ClinVar aggregate classification (germline): Pathogenic. Review status: criteria provided, multiple submitters, no conflicts (2 of 4 stars). 4 submissions from 4 submitters: Pathogenic (3). 1 of the submissions does not count toward it. Last evaluated 2023-12-09.

Conditions:
Granulomatous disease, chronic, X-linked. Also called: GRANULOMATOUS DISEASE, CHRONIC, X-LINKED, SOMATIC MOSAIC; CYTOCHROME b-NEGATIVE GRANULOMATOUS DISEASE, CHRONIC, X-LINKED. Identifiers: Orphanet 379, MedGen C1844376, MONDO:0010600, OMIM 306400.

Submissions (4):

Labcorp Genetics (formerly Invitae), Labcorp
Classification: Pathogenic for Granulomatous disease, chronic, X-linked. Last evaluated: 2023-12-09. Review status: criteria provided, single submitter. Criteria: Invitae Variant Classification Sherloc (09022015). Collection method: clinical testing. Allele origin: germline.
Comment: This sequence change creates a premature translational stop signal (p.Arg157*) in the CYBB gene. It is expected to result in an absent or disrupted protein product. Loss-of-function variants in CYBB are known to be pathogenic (PMID: 9585602, 20729109). This variant is not present in population databases (gnomAD no frequency). This premature translational stop signal has been observed in individuals with chronic granulomatous disease (PMID: 7907031, 22562447, 29018441, 29560547, 29702544). ClinVar contains an entry for this variant (Variation ID: 265089). Algorithms developed to predict the effect of sequence changes on RNA splicing suggest that this variant may disrupt the consensus splice site. For these reasons, this variant has been classified as Pathogenic.

GeneDx
Classification: Pathogenic. Last evaluated: 2022-03-29. Review status: criteria provided, single submitter. Criteria: GeneDx Variant Classification Process June 2021. Collection method: clinical testing. Allele origin: germline. Affected: yes.
Comment: Nonsense variant predicted to result in protein truncation or nonsense mediated decay in a gene for which loss-of-function is a known mechanism of disease; Not observe in large population cohorts (gnomAD); This variant is associated with the following publications: (PMID: 18546332, 22562447, 25525159, 7907031, 29702544, 29560547, 33629196, 33225392, 33717137, 29018441)

Clinical Genetics Service, Universitary Hospital 12 de Octubre
Classification: Pathogenic for Granulomatous disease, chronic, X-linked. Review status: criteria provided, single submitter. Criteria: ACMG Guidelines, 2015. Collection method: clinical testing. Allele origin: germline. Affected: yes.

Laboratory of Research in Genomics, Genetics and Bioinformatics, Hospital Infantil de Mexico Federico Gomez
Classification: Pathogenic for Granulomatous disease, chronic, X-linked. Last evaluated: 2025-04-08. Review status: no assertion criteria provided. Collection method: research. Allele origin: germline. Affected: yes. Not counted in ClinVar's aggregate classification.

Literature cited by the submitters: PubMed 9585602 (cited by Labcorp Genetics (formerly Invitae), Labcorp); PubMed 20729109 (cited by Labcorp Genetics (formerly Invitae), Labcorp); PubMed 7907031 (cited by Labcorp Genetics (formerly Invitae), Labcorp); PubMed 22562447 (cited by Labcorp Genetics (formerly Invitae), Labcorp); PubMed 29018441 (cited by Labcorp Genetics (formerly Invitae), Labcorp); PubMed 29560547 (cited by Labcorp Genetics (formerly Invitae), Labcorp); PubMed 29702544 (cited by Labcorp Genetics (formerly Invitae), Labcorp).

NM_000397.4(CYBB):c.469C>T (p.Arg157Ter)

Gene: CYBB (cytochrome b-245 beta chain; plus strand). Cytogenetic location: Xp21.1.
Variant type: single nucleotide variant.
Coding change: c.469C>T on transcript NM_000397.4 (MANE Select); coding-DNA position 469, C replaced by T.
Protein change: p.Arg157Ter; replaces arginine 157 with a stop codon.
Molecular consequence: nonsense.
Genome position (GRCh38, 1-based): chrX:37,793,796, C>T. VCF-style: chrX-37793796-C-T. GRCh37 (hg19) VCF-style: chrX-37653049-C-T.
Other names: short protein forms R157*.
Identifiers: ClinVar variation 265089 (VCV000265089.10), dbSNP rs886039335, ClinGen allele CA10588774.